The following is an entry in ClinVar:

ClinVar aggregate classification (germline): Uncertain significance. Review status: criteria provided, multiple submitters, no conflicts (2 of 4 stars). 2 submissions from 2 submitters: Uncertain significance (2). Last evaluated 2025-07-29.

Allele frequency attached by ClinVar (database versions not stated): gnomAD exomes 0.00002 and 0.00006; gnomAD 0.00003 and 0.00004; ExAC 0.00004; TOPMed 0.00005.
gnomAD v4.1: 31 of 1,613,980 alleles (0.0019%); highest among the groups gnomAD compares: Admixed American, 0.027%; no homozygotes.

Submissions (2):

Labcorp Genetics (formerly Invitae), Labcorp
Classification: Uncertain significance. Last evaluated: 2025-07-29. Review status: criteria provided, single submitter. Criteria: Invitae Variant Classification Sherloc (09022015). Collection method: clinical testing. Allele origin: germline.
Comment: This sequence change replaces methionine, which is neutral and non-polar, with valine, which is neutral and non-polar, at codon 734 of the EPHA4 protein (p.Met734Val). This variant is present in population databases (rs761654406, gnomAD 0.03%). This variant has not been reported in the literature in individuals affected with EPHA4-related conditions. ClinVar contains an entry for this variant (Variation ID: 1358914). Invitae Evidence Modeling of protein sequence and biophysical properties (such as structural, functional, and spatial information, amino acid conservation, physicochemical variation, residue mobility, and thermodynamic stability) indicates that this missense variant is expected to disrupt EPHA4 protein function with a positive predictive value of 80%. In summary, the available evidence is currently insufficient to determine the role of this variant in disease. Therefore, it has been classified as a Variant of Uncertain Significance.

Ambry Genetics
Classification: Uncertain significance. Last evaluated: 2024-10-06. Review status: criteria provided, single submitter. Criteria: Ambry Variant Classification Scheme 2023. Collection method: clinical testing. Allele origin: germline.

NM_004438.5(EPHA4):c.2200A>G (p.Met734Val)

Gene: EPHA4 (EPH receptor A4; minus strand). Cytogenetic location: 2q36.1.
Variant type: single nucleotide variant.
Coding change: c.2200A>G on transcript NM_004438.5 (MANE Select); coding-DNA position 2200, A replaced by G.
Protein change: p.Met734Val; replaces methionine 734 with valine.
Molecular consequence: missense variant.
Genome position (GRCh38, 1-based): chr2:221,436,545, T>C on the plus strand (A>G on the coding strand, the complement: EPHA4 is on the minus strand). VCF-style: chr2-221436545-T-C. GRCh37 (hg19) VCF-style: chr2-222301265-T-C.
Other names: c.2200A>G, p.Met734Val (NM_001304536.2, NM_001363748.2); c.2047A>G, p.Met683Val (NM_001304537.2); c.2200A>G (NM_004438.3); short protein forms M683V, M734V.
Identifiers: ClinVar variation 1358914 (VCV001358914.8), dbSNP rs761654406, ClinGen allele CA2134832.
Genomic context (GRCh38, chr2:221,436,545, plus strand): 5'-CCAGGATGTTCCGTGCGGCCAGATCACGATGCACATAGCTCATATCAGATAAATACTTCA[T>C]CCCAGACCCAATGCCACGAAGCATGCCCACCAGCTGAATGACTGTAAATCTGCCATCATT-3'
Protein context (NP_004429.1, residues 724-744): VGMLRGIGSG[Met734Val]KYLSDMSYVH